The following is an entry in ClinVar:

ClinVar aggregate classification (germline): Uncertain significance (1 of 4 stars; one submission).

Conditions:
Inborn genetic diseases. Identifiers: MedGen C0950123, MeSH D030342.

Submission:

Ambry Genetics
Classification: Uncertain significance for Inborn genetic diseases. Last evaluated: 2023-06-08. Review status: criteria provided, single submitter. Criteria: Ambry Variant Classification Scheme 2023. Collection method: clinical testing. Allele origin: germline.
Comment: The p.Q86P variant (also known as c.257A>C), located in coding exon 3 of the EPAS1 gene, results from an A to C substitution at nucleotide position 257. The glutamine at codon 86 is replaced by proline, an amino acid with similar properties. This amino acid position is conserved. In addition, the in silico prediction for this alteration is inconclusive. Since supporting evidence is limited at this time, the clinical significance of this alteration remains unclear.

NM_001430.5(EPAS1):c.257A>C (p.Gln86Pro)

Gene: EPAS1 (endothelial PAS domain protein 1; plus strand). Cytogenetic location: 2p21.
Variant type: single nucleotide variant.
Coding change: c.257A>C on transcript NM_001430.5 (MANE Select); coding-DNA position 257, A replaced by C.
Protein change: p.Gln86Pro; replaces glutamine 86 with proline.
Molecular consequence: missense variant.
Genome position (GRCh38, 1-based): chr2:46,356,190, A>C. VCF-style: chr2-46356190-A-C. GRCh37 (hg19) VCF-style: chr2-46583329-A-C.
Other names: short protein forms Q86P.
Identifiers: ClinVar variation 2565078 (VCV002565078.2), dbSNP rs2546450373, ClinGen allele CA346697743.
Genomic context (GRCh38, chr2:46,356,190, plus strand): 5'-CCCACCCCCCCCCCTTTCCAGTTTGCTCTGAAAACGAGTCCGAAGCCGAAGCTGACCAGC[A>C]GATGGACAACTTGTACCTGAAAGCCTTGGAGGGTTTCATTGCCGTGGTGACCCAAGATGG-3'
Protein context (NP_001421.2, residues 76-96): ENESEAEADQ[Gln86Pro]MDNLYLKALE